The following is an entry in ClinVar:

NM_000540.3(RYR1):c.10492C>G (p.Arg3498Gly)

Gene: RYR1 (ryanodine receptor 1; plus strand). Cytogenetic location: 19q13.2.
Variant type: single nucleotide variant.
Coding change: c.10492C>G on transcript NM_000540.3 (MANE Select); coding-DNA position 10492, C replaced by G.
Protein change: p.Arg3498Gly; replaces arginine 3498 with glycine.
Molecular consequence: missense variant.
Genome position (GRCh38, 1-based): chr19:38,525,368, C>G. VCF-style: chr19-38525368-C-G. GRCh37 (hg19) VCF-style: chr19-39016008-C-G.
Other names: c.10477C>G, p.Arg3493Gly (NM_001042723.2); short protein forms R3498G, R3493G.
Identifiers: ClinVar variation 224398 (VCV000224398.15), dbSNP rs201358408, ClinGen allele CA053866.

ClinVar aggregate classification (germline): Uncertain significance. Review status: criteria provided, multiple submitters, no conflicts (2 of 4 stars). 7 submissions from 7 submitters: Uncertain significance (7). Last evaluated 2024-09-26.

Conditions:
Congenital multicore myopathy with external ophthalmoplegia (CMYO1B). Also called: MULTICORE MYOPATHY; Congenital myopathy 1B, autosomal recessive; Minicore myopathy; MULTIMINICORE DISEASE WITH EXTERNAL OPHTHALMOPLEGIA; Minicore myopathy with external ophthalmoplegia. Identifiers: Orphanet 598, Orphanet 98905, MedGen C1850674, MONDO:0009712, OMIM 255320, HP:0003789.
Central core myopathy (CMYO1A). Also called: Central core disease; Myopathy, central fibrillar; CONGENITAL MYOPATHY 1A, AUTOSOMAL DOMINANT, WITH SUSCEPTIBILITY TO MALIGNANT HYPERTHERMIA. Identifiers: Orphanet 597, MedGen C5830701, MONDO:0007294, OMIM 117000.
Malignant hyperthermia, susceptibility to, 1 (MHS1). Also called: Malignant hyperthermia suceptibility 1; RYR1-Related Malignant Hyperthermia Susceptibility; Anesthesia related hyperthermia; Malignant hyperpyrexia; Fulminating hyperpyrexia; Pharmacogenic myopathy. Identifiers: Orphanet 423, MedGen C2930980, MONDO:0007783, OMIM 145600.
King Denborough syndrome (KDS). Identifiers: MedGen C1840365, MONDO:0020485, OMIM 619542.
Congenital myopathy with fiber type disproportion. Also called: Congenital fiber-type disproportion; Congenital fiber-type disproportion myopathy. Identifiers: MONDO:0009711, Orphanet 2020, MedGen C0546264. Inheritance: all.
RYR1-related disorder. Also called: RYR1-related disorders; RYR1-related condition. Identifiers: MedGen CN239331.

Allele frequency attached by ClinVar (database versions not stated): ExAC 0.00003; gnomAD 0.00006; TOPMed 0.00006.
gnomAD v4.1: 104 of 1,613,828 alleles (0.0064%); highest among the groups gnomAD compares: Non-Finnish European, 0.0084%; no homozygotes.

Submissions (7):

Labcorp Genetics (formerly Invitae), Labcorp
Classification: Uncertain significance for RYR1-related disorder. Last evaluated: 2024-09-26. Review status: criteria provided, single submitter. Criteria: Invitae Variant Classification Sherloc (09022015). Collection method: clinical testing. Allele origin: germline.
Comment: This sequence change replaces arginine, which is basic and polar, with glycine, which is neutral and non-polar, at codon 3498 of the RYR1 protein (p.Arg3498Gly). This variant is present in population databases (rs201358408, gnomAD 0.008%). This missense change has been observed in individual(s) with malignant hyperthermia (PMID: 24195946). ClinVar contains an entry for this variant (Variation ID: 224398). Invitae Evidence Modeling of protein sequence and biophysical properties (such as structural, functional, and spatial information, amino acid conservation, physicochemical variation, residue mobility, and thermodynamic stability) indicates that this missense variant is expected to disrupt RYR1 protein function with a positive predictive value of 95%. In summary, the available evidence is currently insufficient to determine the role of this variant in disease. Therefore, it has been classified as a Variant of Uncertain Significance.

All of Us Research Program, National Institutes of Health
Classification: Uncertain significance for Malignant hyperthermia, susceptibility to, 1. Last evaluated: 2024-09-23. Review status: criteria provided, single submitter. Criteria: ACMG Guidelines, 2015. Collection method: clinical testing. Allele origin: germline. Inheritance: Autosomal dominant inheritance. Observed: 19 variant alleles, 19 heterozygotes.
Comment: This missense variant replaces arginine with glycine at codon 3498 of the RYR1 protein. Computational prediction is inconclusive regarding the impact of this variant on protein structure and function (internally defined REVEL score threshold 0.5 < inconclusive < 0.7, PMID: 27666373). To our knowledge, functional studies have not been reported for this variant. This variant has been reported in a family affected with malignant hyperthermia susceptibility, but the variant did not co-segregate with disease (PMID: 24195946). This variant has been identified in 8/282550 chromosomes in the general population by the Genome Aggregation Database (gnomAD). The available evidence is insufficient to determine the role of this variant in disease conclusively. Therefore, this variant is classified as a Variant of Uncertain Significance.

This study involves interpretation of variants in research participants for the purpose of population health screening. Participant phenotype was not available at the time of variant classification. Additional details can be found in publication PMID: 35346344, PMCID: PMC8962531

Color Diagnostics, LLC DBA Color Health
Classification: Uncertain significance for Malignant hyperthermia, susceptibility to, 1. Last evaluated: 2024-05-13. Review status: criteria provided, single submitter. Criteria: ACMG Guidelines, 2015. Collection method: clinical testing. Allele origin: germline.
Comment: This missense variant replaces arginine with glycine at codon 3498 of the RYR1 protein. Computational prediction is inconclusive regarding the impact of this variant on protein structure and function. To our knowledge, functional studies have not been reported for this variant. This variant has been reported in a family affected with malignant hyperthermia susceptibility, but the variant did not co-segregate with disease (PMID: 24195946). This variant has been identified in 8/282550 chromosomes in the general population by the Genome Aggregation Database (gnomAD). The available evidence is insufficient to determine the role of this variant in disease conclusively. Therefore, this variant is classified as a Variant of Uncertain Significance.

Fulgent Genetics
Classification: Uncertain significance for Central core myopathy; Malignant hyperthermia, susceptibility to, 1; Congenital myopathy 4A, autosomal dominant; Congenital multicore myopathy with external ophthalmoplegia; King Denborough syndrome. Last evaluated: 2021-08-02. Review status: criteria provided, single submitter. Criteria: ACMG Guidelines, 2015. Collection method: clinical testing. Allele origin: unknown.

Revvity Omics, Revvity
Classification: Uncertain significance. Last evaluated: 2021-05-07. Review status: criteria provided, single submitter. Criteria: ACMG Guidelines, 2015. Collection method: clinical testing. Allele origin: germline.

GeneDx
Classification: Uncertain significance. Last evaluated: 2020-11-30. Review status: criteria provided, single submitter. Criteria: GeneDx Variant Classification Process June 2021. Collection method: clinical testing. Allele origin: germline. Affected: yes.
Comment: Not observed at a significant frequency in large population cohorts (Lek et al., 2016); In silico analysis supports that this missense variant has a deleterious effect on protein structure/function; Identified via exome sequencing in a volunteer not ascertained for malignant hyperthermia susceptibility (MHS) who was found to have a three generation family history of MHS; however, the variant did not segregate with the phenotype in the family (Gonsalves et al., 2013); This variant is associated with the following publications: (PMID: 24195946)

Biesecker Lab/Clinical Genomics Section, National Institutes of Health
Classification: Uncertain significance for Malignant hyperthermia, susceptibility to, 1. Last evaluated: 2013-07-01. Review status: criteria provided, single submitter. Criteria: Gonsalves et al. 2013. Collection method: research. Allele origin: unknown. Observed: 1 variant allele. Study: ClinSeq.
Comment: The study set was not selected for affection status in relation to any myopathy. Pathogenicity categories were based on literature curation. See Pubmed ID: 24195946 for details.

Literature cited by the submitters: PubMed 24195946 (cited by 3 submitters).